The following is an entry in ClinVar:

ClinVar aggregate classification (germline): Pathogenic/Likely pathogenic. Review status: criteria provided, multiple submitters, no conflicts (2 of 4 stars). 5 submissions from 5 submitters: Pathogenic (4); Likely pathogenic (1). Last evaluated 2025-12-23.

Conditions:
Osteopetrosis with renal tubular acidosis (OPTB3). Also called: Autosomal recessive osteopetrosis 3. Identifiers: Orphanet 2785, MedGen C0345407, MONDO:0009818, OMIM 259730.
CA2-related disorder. Also called: CA2-related condition.

Submissions (5):

Labcorp Genetics (formerly Invitae), Labcorp
Classification: Pathogenic. Last evaluated: 2025-12-23. Review status: criteria provided, single submitter. Criteria: Invitae Variant Classification Sherloc (09022015). Collection method: clinical testing. Allele origin: germline.
Comment: This sequence change creates a premature translational stop signal (p.Lys227Asnfs*13) in the CA2 gene. While this is not anticipated to result in nonsense mediated decay, it is expected to disrupt the last 34 amino acid(s) of the CA2 protein. This variant is present in population databases (rs779869368, gnomAD 0.003%). This premature translational stop signal has been observed in individual(s) with CA2 deficiency (PMID: 8128957). This variant is also known as a frameshift at amino acid 227, resulting in incorporation of 12 abnormal amino acids before termination at a TGA codon. ClinVar contains an entry for this variant (Variation ID: 632527). Algorithms developed to predict the effect of variants on gene product structure and function are not available or were not evaluated for this variant. Experimental studies have shown that this premature translational stop signal affects CA2 function (PMID: 8128957). This variant disrupts a region of the CA2 protein in which other variant(s) (p.Glu233Glyfs*2) have been observed in individuals with CA2-related conditions (PMID: 15300855). This suggests that this is a clinically significant region of the protein, and that variants that disrupt it are likely to be disease-causing. For these reasons, this variant has been classified as Pathogenic.

GeneDx
Classification: Pathogenic. Last evaluated: 2023-05-14. Review status: criteria provided, single submitter. Criteria: GeneDx Variant Classification Process June 2021. Collection method: clinical testing. Allele origin: germline. Affected: yes.
Comment: In vitro published functional studies demonstrate the variant results in an inactive, insoluble, and quickly degraded enzyme (Hu et al., 1994); Frameshift variant predicted to result in protein truncation, as the last 34 amino acids are replaced with 12 different amino acids, and other loss-of-function variants have been reported downstream in the Human Gene Mutation Database (HGMD); Not observed at significant frequency in large population cohorts (gnomAD); This variant is associated with the following publications: (PMID: 27535533, 8128957, 24077912)

Blueprint Genetics
Classification: Pathogenic for CA2-related disorders. Last evaluated: 2021-12-09. Review status: criteria provided, single submitter. Criteria: ACMG Guidelines, 2015. Collection method: clinical testing. Allele origin: germline. Affected: yes. Observed: 4 variant alleles.

Fulgent Genetics
Classification: Pathogenic for Osteopetrosis with renal tubular acidosis. Last evaluated: 2021-06-30. Review status: criteria provided, single submitter. Criteria: ACMG Guidelines, 2015. Collection method: clinical testing. Allele origin: unknown.
Comment: This variant has been detected in individual(s) who were sent for testing of Renasight - kidney gene panel.

Illumina Laboratory Services, Illumina
Classification: Likely pathogenic for Osteopetrosis with renal tubular acidosis. Last evaluated: 2017-04-28. Review status: criteria provided, single submitter. Criteria: ICSL Variant Classification Criteria 09 May 2019. Collection method: clinical testing. Allele origin: germline.
Comment: The CA2 c.681delA (p.Lys227AsnfsTer13) variant is a frameshift variant that is predicted to cause premature truncation of the protein. The p.Lys227AsnfsTer13 variant has been reported in one study and is found in a homozygous state in seven unrelated individuals diagnosed with osteopetrosis with renal tubular acidosis (Hu et al. 1994). Control data are unavailable for this variant and it is reported at a frequency of 0.00009 in the Latino population of the Exome Aggregation Consortium but this is based on one allele only in a region of good sequencing coverage so the variant is presumed to be rare. The p.Lys227AsnfsTer13 variant when expressed in COS cells produced an enzymatically inactive protein that was expressed at much lower levels than wild type protein (Hu et al. 1994). Based on the evidence and the potential impact of frameshift variants, the p.Lys227AsnfsTer13 variant is classified as likely pathogenic for osteopetrosis with renal tubular acidosis. This variant was observed by ICSL as part of a predisposition screen in an ostensibly healthy population.

Literature cited by the submitters: PubMed 8128957 (cited by Labcorp Genetics (formerly Invitae), Labcorp and Illumina Laboratory Services, Illumina); PubMed 15300855 (cited by Labcorp Genetics (formerly Invitae), Labcorp).

NM_000067.3(CA2):c.681del (p.Lys227fs)

Gene: CA2 (carbonic anhydrase 2; plus strand). Cytogenetic location: 8q21.2.
Variant type: Deletion.
Coding change: c.681del on transcript NM_000067.3 (MANE Select); coding-DNA position 681, one base deleted (A; older notation c.681delA).
Protein change: p.Lys227fs; shifts the reading frame from lysine 227.
Molecular consequence: frameshift variant.
Genome position (GRCh38, 1-based): chr8:85,480,687, A deleted; the last of 3 consecutive A bases (chr8:85,480,685-85,480,687); deleting any one gives the same sequence. VCF-style (leftmost placement, unchanged base first): chr8-85480684-TA-T. GRCh37 (hg19) VCF-style: chr8-86392913-TA-T.
Other names: c.681del (NM_000067.2); c.378del, p.Lys126fs (NM_001293675.2); short protein forms K227fs, K126fs.
Identifiers: ClinVar variation 632527 (VCV000632527.13), dbSNP rs779869368, ClinGen allele CA4796614.
Genomic context (GRCh38, chr8:85,480,684, plus strand): 5'-TACCATTGTGAAACATTAATTATCAATGTTTTATTGTGTCTTTTAGGTGTTGAAATTCCG[TA>T]AACTTAACTTCAATGGGGAGGGTGAACCCGAAGAACTGATGGTGGACAACTGGCGCCCAG-3'